The following is an entry in ClinVar:

NM_000283.4(PDE6B):c.1949G>A (p.Arg650Gln)

Gene: PDE6B (phosphodiesterase 6B; plus strand). Cytogenetic location: 4p16.3.
Variant type: single nucleotide variant.
Coding change: c.1949G>A on transcript NM_000283.4 (MANE Select); coding-DNA position 1949, G replaced by A.
Protein change: p.Arg650Gln; replaces arginine 650 with glutamine.
Molecular consequence: missense variant.
Genome position (GRCh38, 1-based): chr4:663,798, G>A. VCF-style: chr4-663798-G-A. GRCh37 (hg19) VCF-style: chr4-657587-G-A.
Other names: c.1949G>A, p.Arg650Gln (NM_001145291.2); c.1112G>A, p.Arg371Gln (NM_001145292.2, NM_001350154.3, NM_001379246.1 and 1 more transcripts); c.794G>A, p.Arg265Gln (NM_001350155.3); short protein forms R265Q, R371Q, R650Q.
Identifiers: ClinVar variation 1384987 (VCV001384987.6), dbSNP rs1182502700, ClinGen allele CA355918253.

ClinVar aggregate classification (germline): Uncertain significance (1 of 4 stars; one submission).

Allele frequency attached by ClinVar (database versions not stated): gnomAD exomes 0.00001.
gnomAD v4.1: 2 of 1,612,470 alleles (0.00012%); highest among the groups gnomAD compares: Middle Eastern, 0.016%; no homozygotes.

Submission:

Labcorp Genetics (formerly Invitae), Labcorp
Classification: Uncertain significance. Last evaluated: 2021-10-06. Review status: criteria provided, single submitter. Criteria: Invitae Variant Classification Sherloc (09022015). Collection method: clinical testing. Allele origin: germline.
Comment: Algorithms developed to predict the effect of missense changes on protein structure and function output the following: SIFT: "Deleterious"; PolyPhen-2: "Benign"; Align-GVGD: "Class C0". The glutamine amino acid residue is found in multiple mammalian species, which suggests that this missense change does not adversely affect protein function. In summary, the available evidence is currently insufficient to determine the role of this variant in disease. Therefore, it has been classified as a Variant of Uncertain Significance. This variant has not been reported in the literature in individuals affected with PDE6B-related conditions. This variant is not present in population databases (ExAC no frequency). This sequence change replaces arginine with glutamine at codon 650 of the PDE6B protein (p.Arg650Gln). The arginine residue is highly conserved and there is a small physicochemical difference between arginine and glutamine.